The following is an entry in ClinVar:

NM_138387.4(G6PC3):c.599G>T (p.Gly200Val)

Gene: G6PC3 (glucose-6-phosphatase catalytic subunit 3; plus strand). Cytogenetic location: 17q21.31.
Variant type: single nucleotide variant.
Coding change: c.599G>T on transcript NM_138387.4 (MANE Select); coding-DNA position 599, G replaced by T.
Protein change: p.Gly200Val; replaces glycine 200 with valine.
Molecular consequence: missense variant.
Genome position (GRCh38, 1-based): chr17:44,075,373, G>T. VCF-style: chr17-44075373-G-T. GRCh37 (hg19) VCF-style: chr17-42152741-G-T.
Other names: c.480G>T, p.Trp160Cys (NM_001319945.2); c.254G>T, p.Gly85Val (NM_001384165.1, NM_001384166.1, NM_001384167.1 and 1 more transcripts); short protein forms G85V, G200V, W160C.
Identifiers: ClinVar variation 3852332 (VCV003852332.1).
Genomic context (GRCh38, chr17:44,075,373, plus strand): 5'-CTGTCCTGGGCTGGCTGATGACTCCCCGAGTGCCTATGGAGCGGGAGCTAAGCTTCTATG[G>T]GTTGACTGCACTGGCCCTCATGCTAGGCACCAGCCTCATCTATTGGACCCTCTTTACACT-3'
Protein context (NP_612396.1, residues 190-210): VPMERELSFY[Gly200Val]LTALALMLGT

ClinVar aggregate classification (germline): Uncertain significance (1 of 4 stars; one submission).

Conditions:
Inborn genetic diseases. Identifiers: MedGen C0950123, MeSH D030342.

Submission:

Ambry Genetics
Classification: Uncertain significance for Inborn genetic diseases. Last evaluated: 2024-12-22. Review status: criteria provided, single submitter. Criteria: Ambry Variant Classification Scheme 2023. Collection method: clinical testing. Allele origin: germline.
Comment: The p.G200V variant (also known as c.599G>T), located in coding exon 5 of the G6PC3 gene, results from a G to T substitution at nucleotide position 599. The glycine at codon 200 is replaced by valine, an amino acid with dissimilar properties. This amino acid position is conserved. In addition, the in silico prediction for this alteration is inconclusive. Based on the available evidence, the clinical significance of this variant remains unclear.